The following is an entry in ClinVar:

ClinVar aggregate classification (germline): Uncertain significance (1 of 4 stars; one submission).

Allele frequency attached by ClinVar (database versions not stated): gnomAD exomes below 0.00001.
gnomAD v4.1: 1 of 1,614,102 alleles (0.000062%); highest among the groups gnomAD compares: Non-Finnish European, 0.000085%; no homozygotes.

Submission:

Labcorp Genetics (formerly Invitae), Labcorp
Classification: Uncertain significance. Last evaluated: 2022-10-17. Review status: criteria provided, single submitter. Criteria: Invitae Variant Classification Sherloc (09022015). Collection method: clinical testing. Allele origin: germline.
Comment: In summary, the available evidence is currently insufficient to determine the role of this variant in disease. Therefore, it has been classified as a Variant of Uncertain Significance. Advanced modeling of protein sequence and biophysical properties (such as structural, functional, and spatial information, amino acid conservation, physicochemical variation, residue mobility, and thermodynamic stability) performed at Invitae indicates that this missense variant is not expected to disrupt KCNJ13 protein function. This variant has not been reported in the literature in individuals affected with KCNJ13-related conditions. This variant is not present in population databases (gnomAD no frequency). This sequence change replaces proline, which is neutral and non-polar, with leucine, which is neutral and non-polar, at codon 326 of the KCNJ13 protein (p.Pro326Leu).

NM_002242.4(KCNJ13):c.977C>T (p.Pro326Leu)

Genes: GIGYF2 (GRB10 interacting GYF protein 2; plus strand), KCNJ13 (potassium inwardly rectifying channel subfamily J member 13; minus strand). Cytogenetic location: 2q37.1.
Variant type: single nucleotide variant.
Coding change: c.977C>T on transcript NM_002242.4 (MANE Select); coding-DNA position 977, C replaced by T.
Protein change: p.Pro326Leu; replaces proline 326 with leucine.
Molecular consequence: missense variant. On other transcripts: 3 prime UTR variant (1), intron variant (4).
Genome position (GRCh38, 1-based): chr2:232,768,297, G>A on the plus strand (C>T on the coding strand, the complement: KCNJ13 is on the minus strand). VCF-style: chr2-232768297-G-A. GRCh37 (hg19) VCF-style: chr2-233633007-G-A.
Other names: c.*456C>T (NM_001172416.1); c.737C>T, p.Pro246Leu (NM_001172417.1); c.532+6861G>A (NM_001103146.3, NM_015575.4, NM_001103147.2 and 1 more transcripts); short protein forms P246L, P326L.
Identifiers: ClinVar variation 1721792 (VCV001721792.5), dbSNP rs2469801198, ClinGen allele CA351007540.